The following is an entry in ClinVar:

NM_000169.3(GLA):c.1271C>G (p.Ser424Ter)

Genes: GLA (galactosidase alpha; minus strand), RPL36A-HNRNPH2 (RPL36A-HNRNPH2 readthrough; plus strand). Cytogenetic location: Xq22.1.
Variant type: single nucleotide variant.
Coding change: c.1271C>G on transcript NM_000169.3 (MANE Select); coding-DNA position 1271, C replaced by G.
Protein change: p.Ser424Ter; replaces serine 424 with a stop codon.
Molecular consequence: nonsense. On other transcripts: intron variant (2), non-coding transcript variant (3).
Genome position (GRCh38, 1-based): chrX:101,397,828, G>C on the plus strand (C>G on the coding strand, the complement: GLA is on the minus strand). VCF-style: chrX-101397828-G-C. GRCh37 (hg19) VCF-style: chrX-100652816-G-C.
Other names: c.300+2371G>C (NM_001199973.2); c.177+6006G>C (NM_001199974.2); c.1394C>G, p.Ser465Ter (NM_001406747.1); short protein forms S424*, S465*.
Identifiers: ClinVar variation 2072281 (VCV002072281.4), dbSNP rs2520847821, ClinGen allele CA413918717.

ClinVar aggregate classification (germline): Uncertain significance. Review status: criteria provided, multiple submitters, no conflicts (2 of 4 stars). 2 submissions from 2 submitters: Uncertain significance (2). Last evaluated 2026-06-03.

Conditions:
Fabry disease. Also called: Ceramide trihexosidosis; Fabry's disease; ALPHA-GALACTOSIDASE A DEFICIENCY; ANDERSON-FABRY DISEASE; CERAMIDE TRIHEXOSIDASE DEFICIENCY; GLA DEFICIENCY. Identifiers: Orphanet 324, MedGen C0002986, MONDO:0010526, OMIM 301500, HP:0001071. Disease mechanism: loss of function, Fabry disease is due to inactivating mutations in the X-linked GLA gene resulting in deficiency of the enzyme Alpha Galactosidase-A..

Submissions (2):

Victorian Clinical Genetics Services, Murdoch Childrens Research Institute
Classification: Uncertain significance for Fabry disease. Last evaluated: 2026-06-03. Review status: criteria provided, single submitter. Criteria: ACMG Guidelines, 2015. Collection method: clinical testing. Allele origin: germline. Affected: no.
Comment: This variant is classified as VUS-3B. Evidence in support of pathogenic classification: Variant is predicted to result in a truncated protein (premature termination codon is NOT located at least 54 nucleotides upstream of the final exon-exon junction) with less than 1/3 of the protein sequence affected; Variant is absent from gnomAD (v2, v3 and v4). Additional information: This variant is heterozygous; This gene is associated with X-linked disease. Both males and females have been reported with Fabry disease; however, females are more rarely reported and tend to have milder disease (OMIM); Previous evidence of pathogenicity for this variant is inconclusive. This variant has been classified as a VUS by a clinical laboratory in ClinVar; No published evidence of segregation with disease has been identified for this variant; Functional evidence for this variant is inconclusive. This C-terminal deletion was expressed in COS-1 cells resulting in a two-fold increase in enzymatic activity compared with wildtype cells, however, gain of function is not a mechanism of disease associated with this gene. Although, cellular localisation was not analysed (PMID: 8878432); No comparable downstream protein truncating variants have previous evidence for pathogenicity; Loss of function and dominant negative are known mechanisms of disease in this gene and are associated with Fabry disease (MIM#301500). While most variants result in a complete or partial loss of enzyme activity, truncating variants in the last exon have been suggested to exert a dominant negative effect in females (PMID: 31613176, 8878432). - Variants in this gene are known to have variable expressivity. Skewed X-inactivation in females and different levels of residual enzyme activity may explain the variability in severity (PMIDs: 27560961, 34803097).

Labcorp Genetics (formerly Invitae), Labcorp
Classification: Uncertain significance for Fabry disease. Last evaluated: 2025-07-27. Review status: criteria provided, single submitter. Criteria: Invitae Variant Classification Sherloc (09022015). Collection method: clinical testing. Allele origin: germline.
Comment: This sequence change creates a premature translational stop signal (p.Ser424*) in the GLA gene. While this is not anticipated to result in nonsense mediated decay, it is expected to disrupt the last 6 amino acid(s) of the GLA protein. This variant is not present in population databases (gnomAD no frequency). This variant has not been reported in the literature in individuals affected with GLA-related conditions. ClinVar contains an entry for this variant (Variation ID: 2072281). Experimental studies and prediction algorithms are not available or were not evaluated, and the functional significance of this variant is currently unknown. In summary, the available evidence is currently insufficient to determine the role of this variant in disease. Therefore, it has been classified as a Variant of Uncertain Significance.

Literature cited by the submitters: PubMed 31613176 (cited by Victorian Clinical Genetics Services, Murdoch Childrens Research Institute); PubMed 27560961 (cited by Victorian Clinical Genetics Services, Murdoch Childrens Research Institute); PubMed 34803097 (cited by Victorian Clinical Genetics Services, Murdoch Childrens Research Institute); PubMed 8878432 (cited by Victorian Clinical Genetics Services, Murdoch Childrens Research Institute).